The following is an entry in ClinVar:

NM_018194.6(HHAT):c.699G>A (p.Glu233=)

Gene: HHAT (hedgehog acyltransferase; plus strand). Cytogenetic location: 1q32.2.
Variant type: single nucleotide variant.
Coding change: c.699G>A on transcript NM_018194.6 (MANE Select); coding-DNA position 699, G replaced by A.
Protein change: p.Glu233=; no amino-acid change (glutamic acid 233 retained).
Molecular consequence: synonymous variant.
Genome position (GRCh38, 1-based): chr1:210,418,168, G>A. VCF-style: chr1-210418168-G-A. GRCh37 (hg19) VCF-style: chr1-210591512-G-A.
Other names: c.699G>A, p.Glu233= (NM_001122834.4, NM_001170580.3); c.288G>A, p.Glu96= (NM_001170564.3); c.702G>A, p.Glu234= (NM_001170587.3); c.504G>A, p.Glu168= (NM_001170588.3).
Identifiers: ClinVar variation 1626225 (VCV001626225.33), dbSNP rs150402482, ClinGen allele CA1379220.
Genomic context (GRCh38, chr1:210,418,168, plus strand): 5'-TAGGAATCAAGGCACCATCGAATGACCTCTTTTGTTTCCACTTTAGATGCAGCAGCAGGA[G>A]CATGACTCCCTGAAGGCCAGCCTGTGTGTCCTGGCCCTGGGGCTGGGCCGCCTTCTTTGC-3'
Protein context (NP_060664.2, residues 223-243): SEFIKQMQQQ[Glu233=]HDSLKASLCV

ClinVar aggregate classification (germline): Benign. Review status: criteria provided, multiple submitters, no conflicts (2 of 4 stars). 3 submissions from 3 submitters: Benign (3). Last evaluated 2026-01-18.

Allele frequency attached by ClinVar (database versions not stated): 1000 Genomes Project 0.00399; 1000 Genomes Project 30x 0.00422; TOPMed 0.01008; ESP Exome Variant Server 0.01115; gnomAD 0.01141 and 0.01167; ExAC 0.01178; gnomAD exomes 0.01194 and 0.01383.
gnomAD v4.1: 22,021 of 1,614,144 alleles (1.4%); highest among the groups gnomAD compares: Middle Eastern, 2.2%; 206 homozygotes.

Submissions (3):

Labcorp Genetics (formerly Invitae), Labcorp
Classification: Benign. Last evaluated: 2026-01-18. Review status: criteria provided, single submitter. Criteria: Invitae Variant Classification Sherloc (09022015). Collection method: clinical testing. Allele origin: germline.

CeGaT Center for Human Genetics Tuebingen
Classification: Benign. Last evaluated: 2024-04-01. Review status: criteria provided, single submitter. Criteria: CeGaT Center For Human Genetics Tuebingen Variant Classification Criteria Version 2. Collection method: clinical testing. Allele origin: germline. Affected: yes. Observed: 2 variant alleles.
Comment: HHAT: BP4, BP7, BS1, BS2

Breakthrough Genomics
Classification: Benign. Review status: criteria provided, single submitter. Criteria: ACMG Guidelines, 2015. Collection method: not provided. Allele origin: germline. Inheritance: Autosomal recessive inheritance. Affected: yes.